The following is an entry in ClinVar:

NM_000536.4(RAG2):c.1275_1278dup (p.Ile427fs)

Gene: RAG2 (recombination activating 2; minus strand). Cytogenetic location: 11p12.
Variant type: Duplication.
Coding change: c.1275_1278dup on transcript NM_000536.4 (MANE Select); coding-DNA positions 1275 to 1278, 4 bases duplicated (GGAT; older notation c.1275_1278dupGGAT).
Protein change: p.Ile427fs; shifts the reading frame from isoleucine 427.
Molecular consequence: frameshift variant.
Genome position (GRCh38, 1-based): chr11:36,592,891-36,592,894, ATCC duplicated on the plus strand (GGAT on the coding strand, the reverse complement: RAG2 is on the minus strand); duplicating any 4 consecutive bases within chr11:36,592,891-36,592,895 gives the same sequence; the c. name uses the placement nearest the transcript's 3' end. VCF-style (leftmost placement, unchanged base first): chr11-36592890-T-TATCC. GRCh37 (hg19) VCF-style: chr11-36614440-T-TATCC.
Other names: c.1275_1278dup, p.Ile427fs (NM_001243785.2, NM_001243786.2); short protein forms I427fs.
Identifiers: ClinVar variation 1075543 (VCV001075543.9), dbSNP rs1470797202, ClinGen allele CA675995283.

ClinVar aggregate classification (germline): Pathogenic (1 of 4 stars; one submission).

Conditions:
Severe combined immunodeficiency, autosomal recessive, T cell-negative, B cell-negative, NK cell-positive. Also called: Severe combined immunodeficiency due to complete RAG1/2 deficiency; SCID, T CELL-NEGATIVE, B CELL-NEGATIVE, NK CELL-POSITIVE; SCID, AR, T-cell negative, B-cell negative, NK cell-positive. Identifiers: Orphanet 331206, MedGen C1832322, MONDO:0011086, OMIM 601457.
Combined immunodeficiency with skin granulomas. Identifiers: Orphanet 157949, MedGen C2673536, MONDO:0009306, OMIM 233650.

Submission:

Labcorp Genetics (formerly Invitae), Labcorp
Classification: Pathogenic for Combined immunodeficiency with skin granulomas; Severe combined immunodeficiency, autosomal recessive, T cell-negative, B cell-negative, NK cell-positive. Last evaluated: 2023-04-10. Review status: criteria provided, single submitter. Criteria: Invitae Variant Classification Sherloc (09022015). Collection method: clinical testing. Allele origin: germline.
Comment: For these reasons, this variant has been classified as Pathogenic. This variant disrupts the C-terminus of the RAG2 protein. Other variant(s) that disrupt this region (p.His468Argfs*16, p.Glu480*) have been observed in individuals with RAG2-related conditions (PMID: 21624848, 26915675, 29772310). This suggests that this may be a clinically significant region of the protein. ClinVar contains an entry for this variant (Variation ID: 1075543). This premature translational stop signal has been observed in individual(s) with severe combined immunodeficiency (PMID: 26476733). In at least one individual the data is consistent with being in trans (on the opposite chromosome) from a pathogenic variant. This variant is not present in population databases (gnomAD no frequency). This sequence change creates a premature translational stop signal (p.Ile427Glyfs*12) in the RAG2 gene. While this is not anticipated to result in nonsense mediated decay, it is expected to disrupt the last 101 amino acid(s) of the RAG2 protein.

Literature cited by the submitters: PubMed 21624848; PubMed 26915675; PubMed 29772310; PubMed 26476733.